The following is an entry in ClinVar:

NM_033026.6(PCLO):c.6323C>T (p.Ser2108Leu)

Gene: PCLO (piccolo presynaptic cytomatrix protein; minus strand). Cytogenetic location: 7q21.11.
Variant type: single nucleotide variant.
Coding change: c.6323C>T on transcript NM_033026.6 (MANE Select); coding-DNA position 6323, C replaced by T.
Protein change: p.Ser2108Leu; replaces serine 2108 with leucine.
Molecular consequence: missense variant.
Genome position (GRCh38, 1-based): chr7:82,954,630, G>A on the plus strand (C>T on the coding strand, the complement: PCLO is on the minus strand). VCF-style: chr7-82954630-G-A. GRCh37 (hg19) VCF-style: chr7-82583946-G-A.
Other names: c.6323C>T, p.Ser2108Leu (NM_014510.3); short protein forms S2108L.
Identifiers: ClinVar variation 1515792 (VCV001515792.7), dbSNP rs1299047495, ClinGen allele CA367919850.

ClinVar aggregate classification (germline): Uncertain significance (1 of 4 stars; one submission).

Allele frequency attached by ClinVar (database versions not stated): TOPMed below 0.00001; gnomAD 0.00001; gnomAD exomes 0.00001.
gnomAD v4.1: 9 of 1,613,828 alleles (0.00056%); highest among the groups gnomAD compares: Non-Finnish European, 0.00076%; no homozygotes.

Submission:

Labcorp Genetics (formerly Invitae), Labcorp
Classification: Uncertain significance. Last evaluated: 2022-09-01. Review status: criteria provided, single submitter. Criteria: Invitae Variant Classification Sherloc (09022015). Collection method: clinical testing. Allele origin: germline.
Comment: This variant has not been reported in the literature in individuals affected with PCLO-related conditions. ClinVar contains an entry for this variant (Variation ID: 1515792). Algorithms developed to predict the effect of missense changes on protein structure and function are either unavailable or do not agree on the potential impact of this missense change (SIFT: "Deleterious"; PolyPhen-2: "Not Available"; Align-GVGD: "Class C0"). In summary, the available evidence is currently insufficient to determine the role of this variant in disease. Therefore, it has been classified as a Variant of Uncertain Significance. This variant is not present in population databases (gnomAD no frequency). This sequence change replaces serine, which is neutral and polar, with leucine, which is neutral and non-polar, at codon 2108 of the PCLO protein (p.Ser2108Leu).